The following is an entry in ClinVar:

NM_000016.6(ACADM):c.287-16C>T

Gene: ACADM (acyl-CoA dehydrogenase medium chain; plus strand). Cytogenetic location: 1p31.1.
Variant type: single nucleotide variant.
Coding change: c.287-16C>T on transcript NM_000016.6 (MANE Select); 16 bases into the intron before coding-DNA position 287, C replaced by T.
Molecular consequence: intron variant.
Genome position (GRCh38, 1-based): chr1:75,733,512, C>T. VCF-style: chr1-75733512-C-T. GRCh37 (hg19) VCF-style: chr1-76199197-C-T.
Other names: c.299-16C>T (NM_001127328.3); c.386-16C>T (NM_001286043.2); c.179-16C>T (NM_001286042.2); c.-100+590C>T (NM_001286044.2).
Identifiers: ClinVar variation 681958 (VCV000681958.8), dbSNP rs368504798, ClinGen allele CA913058.

ClinVar aggregate classification (germline): Likely benign. Review status: criteria provided, multiple submitters, no conflicts (2 of 4 stars). 2 submissions from 2 submitters: Likely benign (2). Last evaluated 2026-01-25.

Conditions:
Medium-chain acyl-coenzyme A dehydrogenase deficiency (ACADMD). Also called: CARNITINE DEFICIENCY SECONDARY TO MEDIUM-CHAIN ACYL-CoA DEHYDROGENASE DEFICIENCY; MCADD; MCADH DEFICIENCY; Medium chain acyl-CoA dehydrogenase deficiency; ACADM DEFICIENCY; MCAD Deficiency. Identifiers: Orphanet 42, MedGen C0220710, MONDO:0008721, OMIM 201450.

Allele frequency attached by ClinVar (database versions not stated): TOPMed 0.00001; gnomAD 0.00002 and 0.00003; gnomAD exomes 0.00004 and 0.00007; ExAC 0.00005; ESP Exome Variant Server 0.00008.
gnomAD v4.1: 100 of 1,595,722 alleles (0.0063%); highest among the groups gnomAD compares: Non-Finnish European, 0.0084%; no homozygotes.

Submissions (2):

Labcorp Genetics (formerly Invitae), Labcorp
Classification: Likely benign for Medium-chain acyl-coenzyme A dehydrogenase deficiency. Last evaluated: 2026-01-25. Review status: criteria provided, single submitter. Criteria: Invitae Variant Classification Sherloc (09022015). Collection method: clinical testing. Allele origin: germline.

GeneDx
Classification: Likely benign. Last evaluated: 2018-04-26. Review status: criteria provided, single submitter. Criteria: GeneDx Variant Classification (06012015). Collection method: clinical testing. Allele origin: germline. Affected: yes.
Comment: This variant is considered likely benign or benign based on one or more of the following criteria: it is a conservative change, it occurs at a poorly conserved position in the protein, it is predicted to be benign by multiple in silico algorithms, and/or has population frequency not consistent with disease.